The following is an entry in ClinVar:

ClinVar aggregate classification (germline): Uncertain significance (1 of 4 stars; one submission).

Conditions:
TTN-related disorder. Also called: TTN-related disorders; TTN-related condition; TTN-related disease.

gnomAD v4.1: 29 of 1,613,086 alleles (0.0018%); highest among the groups gnomAD compares: Non-Finnish European, 0.0025%; no homozygotes.

Submission:

PreventionGenetics, part of Exact Sciences
Classification: Uncertain significance for TTN-related condition. Last evaluated: 2026-04-02. Review status: criteria provided, single submitter. Criteria: ACMG Guidelines, 2015. Collection method: clinical testing. Allele origin: germline.
Comment: The TTN c.67363G>A variant is predicted to result in the amino acid substitution p.Val22455Ile. To our knowledge, this variant has not been reported in the literature. This variant is reported in 0.0036% of alleles in individuals of European (Non-Finnish) descent in gnomAD. At this time, the clinical significance of this variant is uncertain due to the absence of conclusive functional and genetic evidence.

NM_001267550.2(TTN):c.67363G>A (p.Val22455Ile)

Genes: TTN (titin; minus strand), TTN-AS1 (TTN antisense RNA 1; plus strand). Cytogenetic location: 2q31.2.
Variant type: single nucleotide variant.
Coding change: c.67363G>A on transcript NM_001267550.2 (MANE Select); coding-DNA position 67363, G replaced by A.
Protein change: p.Val22455Ile; replaces valine 22455 with isoleucine.
Molecular consequence: missense variant.
Genome position (GRCh38, 1-based): chr2:178,579,834, C>T on the plus strand (G>A on the coding strand, the complement: TTN is on the minus strand). VCF-style: chr2-178579834-C-T. GRCh37 (hg19) VCF-style: chr2-179444561-C-T.
Other names: c.62440G>A, p.Val20814Ile (NM_001256850.1); c.40168G>A, p.Val13390Ile (NM_003319.4); c.59659G>A, p.Val19887Ile (NM_133378.4); c.40543G>A, p.Val13515Ile (NM_133432.3); c.40744G>A, p.Val13582Ile (NM_133437.4); short protein forms V13515I, V19887I, V20814I, V22455I, V13390I, V13582I.
Identifiers: ClinVar variation 4985887 (VCV004985887.1).
Genomic context (GRCh38, chr2:178,579,834, plus strand): 5'-GCTTTTTCCAGCCAATGCTACAGGATGACTTAGATACAGACCTCACTTTCAGGTCCACAA[C>T]TGGTCCAGGAGTTTCTAAAGCAAAGGAGAAATGATAAGTGTAAGCCCCATATAACAAAGG-3'
Protein context (NP_001254479.2, residues 22445-22465): AVKASQTPGP[Val22455Ile]VDLKVRSVSK